The following is an entry in ClinVar:

NM_001012759.3(CTU2):c.124G>A (p.Ala42Thr)

Gene: CTU2 (cytosolic thiouridylase subunit 2; plus strand). Cytogenetic location: 16q24.3.
Variant type: single nucleotide variant.
Coding change: c.124G>A on transcript NM_001012759.3 (MANE Select); coding-DNA position 124, G replaced by A.
Protein change: p.Ala42Thr; replaces alanine 42 with threonine.
Molecular consequence: missense variant. On other transcripts: 5 prime UTR variant (1).
Genome position (GRCh38, 1-based): chr16:88,707,191, G>A. VCF-style: chr16-88707191-G-A. GRCh37 (hg19) VCF-style: chr16-88773599-G-A.
Other names: c.124G>A, p.Ala42Thr (NM_001012762.3, NM_001318507.2); c.-59G>A (NM_001318513.2); short protein forms A42T.
Identifiers: ClinVar variation 2504860 (VCV002504860.1), dbSNP rs1339742213, ClinGen allele CA397055535.

ClinVar aggregate classification (germline): Uncertain significance (1 of 4 stars; one submission).

Allele frequency attached by ClinVar (database versions not stated): TOPMed below 0.00001.
gnomAD v4.1: 3 of 1,613,968 alleles (0.00019%); highest among the groups gnomAD compares: African/African-American, 0.0013%; no homozygotes.

Submission:

GeneDx
Classification: Uncertain significance. Last evaluated: 2022-12-09. Review status: criteria provided, single submitter. Criteria: GeneDx Variant Classification Process June 2021. Collection method: clinical testing. Allele origin: germline. Affected: yes.
Comment: In silico analysis supports that this missense variant does not alter protein structure/function; Has not been previously published as pathogenic or benign to our knowledge